The following is an entry in ClinVar:

ClinVar aggregate classification (germline): Benign. Review status: criteria provided, multiple submitters, no conflicts (2 of 4 stars). 2 submissions from 2 submitters: Benign (2). Last evaluated 2018-06-18.

Allele frequency attached by ClinVar (database versions not stated): 1000 Genomes Project 0.34405; 1000 Genomes Project 30x 0.34416; TOPMed 0.41399; gnomAD 0.43555 and 0.43601; gnomAD exomes 0.51827.
gnomAD v4.1: 346,810 of 694,050 alleles (50%); highest among the groups gnomAD compares: Non-Finnish European, 57%; 92,505 homozygotes.

Submissions (2):

GeneDx
Classification: Benign. Last evaluated: 2018-06-18. Review status: criteria provided, single submitter. Criteria: GeneDx Variant Classification (06012015). Collection method: clinical testing. Allele origin: germline. Affected: yes.
Comment: This variant is considered likely benign or benign based on one or more of the following criteria: it is a conservative change, it occurs at a poorly conserved position in the protein, it is predicted to be benign by multiple in silico algorithms, and/or has population frequency not consistent with disease.

Breakthrough Genomics
Classification: Benign. Review status: criteria provided, single submitter. Criteria: ACMG Guidelines, 2015. Collection method: not provided. Allele origin: germline. Inheritance: Autosomal recessive inheritance. Affected: yes.

NM_001232.4(CASQ2):c.235-149A>G

Gene: CASQ2 (calsequestrin 2; minus strand). Cytogenetic location: 1p13.1.
Variant type: single nucleotide variant.
Coding change: c.235-149A>G on transcript NM_001232.4 (MANE Select); 149 bases into the intron before coding-DNA position 235, A replaced by G.
Molecular consequence: intron variant.
Genome position (GRCh38, 1-based): chr1:115,745,061, T>C on the plus strand (A>G on the coding strand, the complement: CASQ2 is on the minus strand). VCF-style: chr1-115745061-T-C. GRCh37 (hg19) VCF-style: chr1-116287682-T-C.
Identifiers: ClinVar variation 672063 (VCV000672063.2), dbSNP rs9428211, ClinGen allele CA15096293.